The following is an entry in ClinVar:

ClinVar aggregate classification (germline): Likely benign. Review status: criteria provided, multiple submitters, no conflicts (2 of 4 stars). 3 submissions from 3 submitters: Likely benign (2). 1 of the submissions does not count toward it. Last evaluated 2021-07-22.

Conditions:
ATG2B-related disorder. Also called: ATG2B-related condition.

Allele frequency attached by ClinVar (database versions not stated): 1000 Genomes Project 30x 0.00219; 1000 Genomes Project 0.00220; ExAC 0.00252; gnomAD exomes 0.00254 and 0.00392; gnomAD 0.00266 and 0.00270; TOPMed 0.00274; ESP Exome Variant Server 0.00369.
gnomAD v4.1: 6,097 of 1,614,096 alleles (0.38%); highest among the groups gnomAD compares: Non-Finnish European, 0.47%; 14 homozygotes.

Submissions (3):

Genetic Services Laboratory, University of Chicago
Classification: Likely benign. Last evaluated: 2021-07-22. Review status: criteria provided, single submitter. Criteria: ACMG Guidelines, 2015. Collection method: clinical testing. Allele origin: germline. Affected: no.

Breakthrough Genomics
Classification: Likely benign. Review status: criteria provided, single submitter. Criteria: ACMG Guidelines, 2015. Collection method: not provided. Allele origin: germline. Inheritance: Unknown mechanism. Affected: yes.

PreventionGenetics, part of Exact Sciences
Classification: Likely benign for ATG2B-related condition. Last evaluated: 2022-02-09. Review status: no assertion criteria provided. Collection method: clinical testing. Allele origin: germline. Not counted in ClinVar's aggregate classification.
Comment: This variant is classified as likely benign based on ACMG/AMP sequence variant interpretation guidelines (Richards et al. 2015 PMID: 25741868, with internal and published modifications).

NM_018036.7(ATG2B):c.6168C>T (p.Gly2056=)

Gene: ATG2B (autophagy related 2B; minus strand). Cytogenetic location: 14q32.2.
Variant type: single nucleotide variant.
Coding change: c.6168C>T on transcript NM_018036.7 (MANE Select); coding-DNA position 6168, C replaced by T.
Protein change: p.Gly2056=; no amino-acid change (glycine 2056 retained).
Molecular consequence: synonymous variant.
Genome position (GRCh38, 1-based): chr14:96,285,824, G>A on the plus strand (C>T on the coding strand, the complement: ATG2B is on the minus strand). VCF-style: chr14-96285824-G-A. GRCh37 (hg19) VCF-style: chr14-96752161-G-A.
Identifiers: ClinVar variation 1337707 (VCV001337707.7), dbSNP rs151219519, ClinGen allele CA7335430.
Genomic context (GRCh38, chr14:96,285,824, plus strand): 5'-CCCGTGGCGCCATTTCTGTGACTCGTCTTGCCGGACATCTGGCCTAATTTGGTTTCTCAT[G>A]CCACCCAGCACGTTTGACGTTGCTTCTGTGGCAACAATCAGAGGTTTCACCACTGCCGGA-3'
Protein context (NP_060506.6, residues 2046-2066): ATEATSNVLG[Gly2056=]MRNQIRPDVR